The following is an entry in ClinVar:

NM_198559.2(CATIP):c.103T>A (p.Phe35Ile)

Genes: CATIP (ciliogenesis associated TTC17 interacting protein; plus strand), CATIP-AS2 (CATIP antisense RNA 2; minus strand). Cytogenetic location: 2q35.
Variant type: single nucleotide variant.
Coding change: c.103T>A on transcript NM_198559.2 (MANE Select); coding-DNA position 103, T replaced by A.
Protein change: p.Phe35Ile; replaces phenylalanine 35 with isoleucine.
Molecular consequence: missense variant.
Genome position (GRCh38, 1-based): chr2:218,357,172, T>A. VCF-style: chr2-218357172-T-A. GRCh37 (hg19) VCF-style: chr2-219221895-T-A.
Other names: c.136T>A, p.Phe46Ile (NM_001320865.2); short protein forms F35I, F46I.
Identifiers: ClinVar variation 1172755 (VCV001172755.3), dbSNP rs141560868, ClinGen allele CA2104288.

ClinVar aggregate classification (germline): Likely pathogenic. Review status: criteria provided, single submitter (1 of 4 stars). 2 submissions from 2 submitters: Likely pathogenic (1). 1 of the submissions does not count toward it. Last evaluated 2025-03-20.

Conditions:
Spermatogenic failure 54. Identifiers: MedGen C5543570, MONDO:0023664, OMIM 619379.

Allele frequency attached by ClinVar (database versions not stated): gnomAD 0.00005; gnomAD exomes 0.00010 and 0.00014; ExAC 0.00012; ESP Exome Variant Server 0.00023.

Submissions (2):

First Genomix Gene Laboratory, Genetic Diagnostics Department
Classification: Likely pathogenic for Spermatogenic failure 54. Last evaluated: 2025-03-20. Review status: criteria provided, single submitter. Criteria: ACMG Guidelines, 2015. Collection method: clinical testing. Allele origin: germline. Inheritance: Autosomal recessive inheritance. Affected: no. Observed: 1 variant allele.

OMIM
Classification: Pathogenic for SPERMATOGENIC FAILURE 54 (1 family). Last evaluated: 2025-05-23. Review status: no assertion criteria provided. Collection method: literature only. Allele origin: germline. Not counted in ClinVar's aggregate classification.

Literature cited by the submitters: PubMed 32503832 (cited by OMIM).